The following is an entry in ClinVar:

ClinVar aggregate classification (germline): Uncertain significance (1 of 4 stars; one submission).

Submission:

Labcorp Genetics (formerly Invitae), Labcorp
Classification: Uncertain significance. Last evaluated: 2024-08-29. Review status: criteria provided, single submitter. Criteria: Invitae Variant Classification Sherloc (09022015). Collection method: clinical testing. Allele origin: germline.
Comment: This sequence change replaces asparagine, which is neutral and polar, with tyrosine, which is neutral and polar, at codon 62 of the AHR protein (p.Asn62Tyr). This variant is not present in population databases (gnomAD no frequency). This variant has not been reported in the literature in individuals affected with AHR-related conditions. An algorithm developed to predict the effect of missense changes on protein structure and function (PolyPhen-2) suggests that this variant is likely to be disruptive. In summary, the available evidence is currently insufficient to determine the role of this variant in disease. Therefore, it has been classified as a Variant of Uncertain Significance.

NM_001621.5(AHR):c.184A>T (p.Asn62Tyr)

Gene: AHR (aryl hydrocarbon receptor; plus strand). Cytogenetic location: 7p21.1.
Variant type: single nucleotide variant.
Coding change: c.184A>T on transcript NM_001621.5 (MANE Select); coding-DNA position 184, A replaced by T.
Protein change: p.Asn62Tyr; replaces asparagine 62 with tyrosine.
Molecular consequence: missense variant.
Genome position (GRCh38, 1-based): chr7:17,310,054, A>T. VCF-style: chr7-17310054-A-T. GRCh37 (hg19) VCF-style: chr7-17349678-A-T.
Other names: short protein forms N62Y.
Identifiers: ClinVar variation 3663867 (VCV003663867.2).